The following is an entry in ClinVar:

ClinVar aggregate classification (germline): Conflicting classifications of pathogenicity. Review status: criteria provided, conflicting classifications (1 of 4 stars). 5 submissions from 5 submitters: Uncertain significance (4); Benign (1). Last evaluated 2025-12-10.

Conditions:
Inborn genetic diseases. Identifiers: MedGen C0950123, MeSH D030342.
Lymphatic malformation 6 (LMPHM6). Also called: GENERALIZED LYMPHATIC DYSPLASIA OF FOTIOU; Lymphedema, hereditary, III; PIEZO1-related generalized lymphatic dysplasia with non-immune hydrops fetalis. Identifiers: Orphanet 568062, MedGen C4225184, MONDO:0014797, OMIM 616843.

Allele frequency attached by ClinVar (database versions not stated): gnomAD 0.00005 and 0.00006; TOPMed 0.00006; gnomAD exomes 0.00007 and 0.00010.
gnomAD v4.1: 103 of 1,550,196 alleles (0.0066%); highest among the groups gnomAD compares: Non-Finnish European, 0.008%; no homozygotes.

Submissions (5):

Labcorp Genetics (formerly Invitae), Labcorp
Classification: Benign. Last evaluated: 2025-12-10. Review status: criteria provided, single submitter. Criteria: Invitae Variant Classification Sherloc (09022015). Collection method: clinical testing. Allele origin: germline.

Clinical Genomics Laboratory, Washington University in St. Louis
Classification: Uncertain significance for Lymphatic malformation 6. Last evaluated: 2025-05-19. Review status: criteria provided, single submitter. Criteria: ACMG Guidelines, 2015. Collection method: clinical testing. Allele origin: germline.
Comment: A PIEZO1 c.7501G>A (p.Ala2501Thr) variant was identified at a near heterozygous allelic fraction of 43.4%, a frequency which may be consistent with it being of germline origin. This variant, to our knowledge, has not been reported in the medical literature. This variant has been reported in the ClinVar database as a germline variant of uncertain significance by three submitters (ClinVar Variation ID: 1163586). This variant is observed on 103/1,550,196 alleles in the general population (gnomAD v4.1.0). Computational predictors suggest that the variant does not impact PIEZO1 function. Due to limited information, and based on ACMG/AMP guidelines for variant interpretation (Richards S et al., PMID: 25741868), the clinical significance of this variant is uncertain at this time.

Ambry Genetics
Classification: Uncertain significance for Inborn genetic diseases. Last evaluated: 2025-04-14. Review status: criteria provided, single submitter. Criteria: Ambry Variant Classification Scheme 2023. Collection method: clinical testing. Allele origin: germline.

Revvity Omics, Revvity
Classification: Uncertain significance. Last evaluated: 2022-05-18. Review status: criteria provided, single submitter. Criteria: ACMG Guidelines, 2015. Collection method: clinical testing. Allele origin: germline.

Mayo Clinic Laboratories, Mayo Clinic
Classification: Uncertain significance. Last evaluated: 2021-03-22. Review status: criteria provided, single submitter. Criteria: ACMG Guidelines, 2015. Collection method: clinical testing. Allele origin: germline. Observed: 1 variant allele.

NM_001142864.4(PIEZO1):c.7501G>A (p.Ala2501Thr)

Gene: PIEZO1 (piezo type mechanosensitive ion channel component 1 (Er blood group); minus strand). Cytogenetic location: 16q24.3.
Variant type: single nucleotide variant.
Coding change: c.7501G>A on transcript NM_001142864.4 (MANE Select); coding-DNA position 7501, G replaced by A.
Protein change: p.Ala2501Thr; replaces alanine 2501 with threonine.
Molecular consequence: missense variant.
Genome position (GRCh38, 1-based): chr16:88,715,670, C>T on the plus strand (G>A on the coding strand, the complement: PIEZO1 is on the minus strand). VCF-style: chr16-88715670-C-T. GRCh37 (hg19) VCF-style: chr16-88782078-C-T.
Other names: short protein forms A2501T.
Identifiers: ClinVar variation 1163586 (VCV001163586.13), dbSNP rs922432809, ClinGen allele CA397070470.